The following is an entry in ClinVar:

NM_000038.6(APC):c.6026C>T (p.Pro2009Leu)

Gene: APC (APC regulator of Wnt signaling pathway; plus strand). Cytogenetic location: 5q22.2.
Variant type: single nucleotide variant.
Coding change: c.6026C>T on transcript NM_000038.6 (MANE Select); coding-DNA position 6026, C replaced by T.
Protein change: p.Pro2009Leu; replaces proline 2009 with leucine.
Molecular consequence: missense variant.
Genome position (GRCh38, 1-based): chr5:112,841,620, C>T. VCF-style: chr5-112841620-C-T. GRCh37 (hg19) VCF-style: chr5-112177317-C-T.
Other names: c.6080C>T, p.Pro2027Leu (NM_001407447.1, NM_001407448.1, NM_001407449.1 and 1 more transcripts); c.6026C>T (NM_000038.5); c.6026C>T, p.Pro2009Leu (NM_001407450.1, NM_001127510.3, NM_001354895.2); c.6005C>T, p.Pro2002Leu (NM_001407451.1); c.5996C>T, p.Pro1999Leu (NM_001407452.1); c.5723C>T, p.Pro1908Leu (NM_001407458.1, NM_001407459.1, NM_001407460.1 and 1 more transcripts); c.5849C>T, p.Pro1950Leu (NM_001407453.1, NM_001354901.2); c.5777C>T, p.Pro1926Leu (NM_001407454.1, NM_001407456.1, NM_001407457.1 and 1 more transcripts); and 12 more; short protein forms P1968L, P1981L, P1984L, P1991L, P1999L, P2002L, P2009L, P2019L.
Identifiers: ClinVar variation 1718620 (VCV001718620.7), dbSNP rs758141039, ClinGen allele CA043774.
Genomic context (GRCh38, chr5:112,841,620, plus strand): 5'-AGACTGAGCCCCCTGACTCACAGGGAGAACCAAGTAAACCTCAAGCATCAGGCTATGCTC[C>T]TAAATCATTTCATGTTGAAGATACCCCAGTTTGTTTCTCAAGAAACAGTTCTCTCAGTTC-3'
Protein context (NP_000029.2, residues 1999-2019): PSKPQASGYA[Pro2009Leu]KSFHVEDTPV

ClinVar aggregate classification (germline): Uncertain significance. Review status: criteria provided, multiple submitters, no conflicts (2 of 4 stars). 2 submissions from 2 submitters: Uncertain significance (2). Last evaluated 2025-10-14.

Conditions:
Hereditary cancer-predisposing syndrome. Also called: Hereditary neoplastic syndrome; Neoplastic Syndromes, Hereditary; Hereditary Cancer Syndrome; Tumor predisposition. Identifiers: Orphanet 140162, MedGen C0027672, MeSH D009386, MONDO:0015356.
Familial adenomatous polyposis 1 (FAP1). Also called: FAMILIAL ADENOMATOUS POLYPOSIS 1, ATTENUATED; POLYPOSIS, ADENOMATOUS INTESTINAL. Identifiers: MedGen C2713442, MONDO:0021056, OMIM 175100. Disease mechanism: loss of function.

Allele frequency attached by ClinVar (database versions not stated): gnomAD exomes below 0.00001; ExAC 0.00001.
gnomAD v4.1: 1 of 1,613,414 alleles (0.000062%); highest among the groups gnomAD compares: Admixed American, 0.0017%; no homozygotes.

Submissions (2):

Ambry Genetics
Classification: Uncertain significance for Hereditary cancer-predisposing syndrome. Last evaluated: 2025-10-14. Review status: criteria provided, single submitter. Criteria: Ambry Variant Classification Scheme 2023. Collection method: clinical testing. Allele origin: germline.
Comment: The p.P2009L variant (also known as c.6026C>T), located in coding exon 15 of the APC gene, results from a C to T substitution at nucleotide position 6026. The proline at codon 2009 is replaced by leucine, an amino acid with similar properties. This amino acid position is conserved. In addition, in silico predictors for this gene do not accurately predict pathogenicity. Based on the available evidence, the clinical significance of this variant remains unclear.

Labcorp Genetics (formerly Invitae), Labcorp
Classification: Uncertain significance for Familial adenomatous polyposis 1. Last evaluated: 2022-09-01. Review status: criteria provided, single submitter. Criteria: Invitae Variant Classification Sherloc (09022015). Collection method: clinical testing. Allele origin: germline.
Comment: In summary, the available evidence is currently insufficient to determine the role of this variant in disease. Therefore, it has been classified as a Variant of Uncertain Significance. Algorithms developed to predict the effect of missense changes on protein structure and function are either unavailable or do not agree on the potential impact of this missense change (SIFT: "Deleterious"; PolyPhen-2: "Probably Damaging"; Align-GVGD: "Class C15"). This variant has not been reported in the literature in individuals affected with APC-related conditions. This variant is present in population databases (rs758141039, gnomAD 0.003%). This sequence change replaces proline, which is neutral and non-polar, with leucine, which is neutral and non-polar, at codon 2009 of the APC protein (p.Pro2009Leu).